The following is an entry in ClinVar:

ClinVar aggregate classification (germline): Conflicting classifications of pathogenicity. Review status: criteria provided, conflicting classifications (1 of 4 stars). 6 submissions from 6 submitters: Uncertain significance (1); Likely benign (4). 1 of the submissions does not count toward it. Last evaluated 2026-02-01.

Conditions:
COG7-related disorder. Also called: COG7-related condition.
COG7 congenital disorder of glycosylation (CDG2E). Also called: CONGENITAL DISORDER OF GLYCOSYLATION, TYPE IIe; CDG IIe. Identifiers: Orphanet 79333, MedGen C2931010, MONDO:0012118, OMIM 608779.

Allele frequency attached by ClinVar (database versions not stated): gnomAD 0.00068 and 0.00073; TOPMed 0.00022; 1000 Genomes Project 30x 0.00031; ESP Exome Variant Server 0.00031; 1000 Genomes Project 0.00040; gnomAD exomes 0.00051 and 0.00059; ExAC 0.00063.
gnomAD v4.1: 837 of 1,614,106 alleles (0.052%); highest among the groups gnomAD compares: South Asian, 0.25%; 2 homozygotes.

Submissions (6):

Labcorp Genetics (formerly Invitae), Labcorp
Classification: Likely benign for COG7 congenital disorder of glycosylation. Last evaluated: 2026-02-01. Review status: criteria provided, single submitter. Criteria: Invitae Variant Classification Sherloc (09022015). Collection method: clinical testing. Allele origin: germline.

Laboratory of Genetics, Children's Clinical University Hospital Latvia
Classification: Likely benign. Last evaluated: 2025-02-16. Review status: criteria provided, single submitter. Criteria: ACMG Guidelines, 2015. Collection method: clinical testing. Allele origin: germline. Affected: yes.

Blueprint Genetics
Classification: Likely benign. Last evaluated: 2024-08-01. Review status: criteria provided, single submitter. Criteria: ACMG Guidelines, 2015. Collection method: clinical testing. Allele origin: germline.

Illumina Laboratory Services, Illumina
Classification: Uncertain significance for COG7 congenital disorder of glycosylation. Last evaluated: 2018-01-13. Review status: criteria provided, single submitter. Criteria: ICSL Variant Classification Criteria 13 December 2019. Collection method: clinical testing. Allele origin: germline.

GeneDx
Classification: Likely benign. Last evaluated: 2017-05-17. Review status: criteria provided, single submitter. Criteria: GeneDx Variant Classification (06012015). Collection method: clinical testing. Allele origin: germline. Affected: yes.
Comment: This variant is considered likely benign or benign based on one or more of the following criteria: it is a conservative change, it occurs at a poorly conserved position in the protein, it is predicted to be benign by multiple in silico algorithms, and/or has population frequency not consistent with disease.

PreventionGenetics, part of Exact Sciences
Classification: Likely benign for COG7-related condition. Last evaluated: 2024-09-27. Review status: no assertion criteria provided. Collection method: clinical testing. Allele origin: germline. Not counted in ClinVar's aggregate classification.
Comment: This variant is classified as likely benign based on ACMG/AMP sequence variant interpretation guidelines (Richards et al. 2015 PMID: 25741868, with internal and published modifications).

NM_153603.4(COG7):c.75C>G (p.Ser25=)

Genes: COG7 (component of oligomeric golgi complex 7; minus strand), LOC130058658 (ATAC-STARR-seq lymphoblastoid active region 10580; plus strand). Cytogenetic location: 16p12.2.
Variant type: single nucleotide variant.
Coding change: c.75C>G on transcript NM_153603.4 (MANE Select); coding-DNA position 75, C replaced by G.
Protein change: p.Ser25=; no amino-acid change (serine 25 retained).
Molecular consequence: synonymous variant.
Genome position (GRCh38, 1-based): chr16:23,452,920, G>C on the plus strand (C>G on the coding strand, the complement: COG7 is on the minus strand). VCF-style: chr16-23452920-G-C. GRCh37 (hg19) VCF-style: chr16-23464241-G-C.
Identifiers: ClinVar variation 318495 (VCV000318495.19), dbSNP rs149481813, ClinGen allele CA7961427.